The following is an entry in ClinVar:

ClinVar aggregate classification (germline): Pathogenic (1 of 4 stars; one submission).

Conditions:
Parathyroid carcinoma (PRTC). Also called: CDC73-Related Parathyroid Carcinoma; Parathyroid gland carcinoma. Identifiers: Orphanet 143, MedGen C0687150, MONDO:0012004, OMIM 608266, HP:0006780.

Submission:

Labcorp Genetics (formerly Invitae), Labcorp
Classification: Pathogenic for Parathyroid carcinoma. Last evaluated: 2025-10-08. Review status: criteria provided, single submitter. Criteria: Invitae Variant Classification Sherloc (09022015). Collection method: clinical testing. Allele origin: germline.
Comment: This sequence change creates a premature translational stop signal (p.Glu53*) in the CDC73 gene. It is expected to result in an absent or disrupted protein product. Loss-of-function variants in CDC73 are known to be pathogenic (PMID: 12434154). This variant is not present in population databases (gnomAD no frequency). This premature translational stop signal has been observed in individual(s) with familial isolated primary hyperparathyroidism (PMID: 24716902). ClinVar contains an entry for this variant (Variation ID: 970108). For these reasons, this variant has been classified as Pathogenic.

Literature cited by the submitters: PubMed 12434154; PubMed 24716902.

NM_024529.5(CDC73):c.157G>T (p.Glu53Ter)

Gene: CDC73 (cell division cycle 73; plus strand). Cytogenetic location: 1q31.2.
Variant type: single nucleotide variant.
Coding change: c.157G>T on transcript NM_024529.5 (MANE Select); coding-DNA position 157, G replaced by T.
Protein change: p.Glu53Ter; replaces glutamic acid 53 with a stop codon.
Molecular consequence: nonsense.
Genome position (GRCh38, 1-based): chr1:193,125,137, G>T. VCF-style: chr1-193125137-G-T. GRCh37 (hg19) VCF-style: chr1-193094267-G-T.
Other names: short protein forms E53*.
Identifiers: ClinVar variation 970108 (VCV000970108.10), dbSNP rs1675541893, ClinGen allele CA343973083.
Genomic context (GRCh38, chr1:193,125,137, plus strand): 5'-TGTCAGTAAAAAAAATCTTGCCTTAATTATTTCAGGACTGGAAAGGAAGGCCAACCCAGA[G>T]AGTACTACACATTGGATTCCATTTTATTTCTACTTAATAACGTGCACCTTTCTCATCCTG-3'